The following is an entry in ClinVar:

NM_004104.5(FASN):c.2204A>G (p.Asn735Ser)

Gene: FASN (fatty acid synthase; minus strand). Cytogenetic location: 17q25.3.
Variant type: single nucleotide variant.
Coding change: c.2204A>G on transcript NM_004104.5 (MANE Select); coding-DNA position 2204, A replaced by G.
Protein change: p.Asn735Ser; replaces asparagine 735 with serine.
Molecular consequence: missense variant.
Genome position (GRCh38, 1-based): chr17:82,089,069, T>C on the plus strand (A>G on the coding strand, the complement: FASN is on the minus strand). VCF-style: chr17-82089069-T-C. GRCh37 (hg19) VCF-style: chr17-80046945-T-C.
Other names: short protein forms N735S.
Identifiers: ClinVar variation 858484 (VCV000858484.9), dbSNP rs1490645498, ClinGen allele CA401558459.

ClinVar aggregate classification (germline): Uncertain significance (1 of 4 stars; one submission).

Conditions:
Epileptic encephalopathy. Identifiers: MedGen C0543888, HP:0200134.

Allele frequency attached by ClinVar (database versions not stated): gnomAD exomes 0.00001; TOPMed 0.00001.
gnomAD v4.1: 8 of 1,592,824 alleles (0.0005%); highest among the groups gnomAD compares: East Asian, 0.0093%; no homozygotes.

Submission:

Labcorp Genetics (formerly Invitae), Labcorp
Classification: Uncertain significance for Epileptic encephalopathy. Last evaluated: 2019-12-19. Review status: criteria provided, single submitter. Criteria: Invitae Variant Classification Sherloc (09022015). Collection method: clinical testing. Allele origin: germline.
Comment: Algorithms developed to predict the effect of sequence changes on RNA splicing suggest that this variant may create or strengthen a splice site, but this prediction has not been confirmed by published transcriptional studies. Algorithms developed to predict the effect of missense changes on protein structure and function output the following: SIFT: "Tolerated"; PolyPhen-2: "Benign"; Align-GVGD: "Class C0". The serine amino acid residue is found in multiple mammalian species, suggesting that this missense change does not adversely affect protein function. These predictions have not been confirmed by published functional studies and their clinical significance is uncertain. This variant has not been reported in the literature in individuals with FASN-related conditions. This variant is not present in population databases (ExAC no frequency). This sequence change replaces asparagine with serine at codon 735 of the FASN protein (p.Asn735Ser). The asparagine residue is weakly conserved and there is a small physicochemical difference between asparagine and serine. In summary, the available evidence is currently insufficient to determine the role of this variant in disease. Therefore, it has been classified as a Variant of Uncertain Significance.